The following is an entry in ClinVar:

ClinVar aggregate classification (germline): Likely benign. Review status: criteria provided, multiple submitters, no conflicts (2 of 4 stars). 3 submissions from 3 submitters: Likely benign (3). Last evaluated 2024-04-22.

Conditions:
Arrhythmogenic right ventricular dysplasia 8 (ARVD8). Also called: Arrhythmogenic Right Ventricular Dysplasia/Cardiomyopathy 8; ARRHYTHMOGENIC RIGHT VENTRICULAR DYSPLASIA, FAMILIAL, 8; ARRHYTHMOGENIC RIGHT VENTRICULAR CARDIOMYOPATHY 8. Identifiers: MedGen C1843896, MONDO:0011831, OMIM 607450.
Arrhythmogenic cardiomyopathy with wooly hair and keratoderma. Also called: PALMOPLANTAR KERATODERMA WITH LEFT VENTRICULAR CARDIOMYOPATHY AND WOOLLY HAIR; Carvajal syndrome; Arrhythmogenic cardiomyopathy with woolly hair and keratoderma; Dilated cardiomyopathy with woolly hair and keratoderma. Identifiers: Orphanet 65282, MedGen C1854063, MONDO:0011581, OMIM 605676.
Cardiomyopathy (CMYO). Also called: Cardiomyopathies. Identifiers: Orphanet 167848, MedGen C0878544, MONDO:0004994, HP:0001638. Inheritance: Various modes of inheritance.

Allele frequency attached by ClinVar (database versions not stated): gnomAD exomes 0.00001; TOPMed 0.00001.

Submissions (3):

Labcorp Genetics (formerly Invitae), Labcorp
Classification: Likely benign for Arrhythmogenic cardiomyopathy with wooly hair and keratoderma; Arrhythmogenic right ventricular dysplasia 8. Last evaluated: 2024-04-22. Review status: criteria provided, single submitter. Criteria: Invitae Variant Classification Sherloc (09022015). Collection method: clinical testing. Allele origin: germline.

All of Us Research Program, National Institutes of Health
Classification: Likely benign for Arrhythmogenic cardiomyopathy with wooly hair and keratoderma. Last evaluated: 2023-06-28. Review status: criteria provided, single submitter. Criteria: ACMG Guidelines, 2015. Collection method: clinical testing. Allele origin: germline. Inheritance: Autosomal dominant inheritance. Observed: 2 variant alleles, 2 heterozygotes.
Comment: This study involves interpretation of variants in research participants for the purpose of population health screening. Participant phenotype was not available at the time of variant classification. Additional details can be found in publication PMID: 35346344, PMCID: PMC8962531

Color Diagnostics, LLC DBA Color Health
Classification: Likely benign for Cardiomyopathy. Last evaluated: 2023-05-10. Review status: criteria provided, single submitter. Criteria: ACMG Guidelines, 2015. Collection method: clinical testing. Allele origin: germline.

NM_004415.4(DSP):c.2986-15T>C

Gene: DSP (desmoplakin; plus strand). Cytogenetic location: 6p24.3.
Variant type: single nucleotide variant.
Coding change: c.2986-15T>C on transcript NM_004415.4 (MANE Select); 15 bases into the intron before coding-DNA position 2986, T replaced by C.
Molecular consequence: intron variant.
Genome position (GRCh38, 1-based): chr6:7,578,449, T>C. VCF-style: chr6-7578449-T-C. GRCh37 (hg19) VCF-style: chr6-7578682-T-C.
Other names: c.2986-15T>C (NM_001319034.2, NM_001008844.3).
Identifiers: ClinVar variation 2927731 (VCV002927731.5), dbSNP rs1341101481, ClinGen allele CA565105631.